The following is an entry in ClinVar:

NM_000169.3(GLA):c.53T>A (p.Phe18Tyr)

Genes: GLA (galactosidase alpha; minus strand), RPL36A-HNRNPH2 (RPL36A-HNRNPH2 readthrough; plus strand). Cytogenetic location: Xq22.1.
Variant type: single nucleotide variant.
Coding change: c.53T>A on transcript NM_000169.3 (MANE Select); coding-DNA position 53, T replaced by A.
Protein change: p.Phe18Tyr; replaces phenylalanine 18 with tyrosine.
Molecular consequence: missense variant. On other transcripts: non-coding transcript variant (3), intron variant (2).
Genome position (GRCh38, 1-based): chrX:101,407,851, A>T on the plus strand (T>A on the coding strand, the complement: GLA is on the minus strand). VCF-style: chrX-101407851-A-T. GRCh37 (hg19) VCF-style: chrX-100662839-A-T.
Other names: c.53T>A, p.Phe18Tyr (NM_001406747.1, NM_001406748.1, NM_001406749.1); c.301-4085A>T (NM_001199973.2); c.178-4085A>T (NM_001199974.2); short protein forms F18Y.
Identifiers: ClinVar variation 4087323 (VCV004087323.2).

ClinVar aggregate classification (germline): Uncertain significance (1 of 4 stars; one submission).

Conditions:
Fabry disease. Also called: ALPHA-GALACTOSIDASE A DEFICIENCY; ANDERSON-FABRY DISEASE; CERAMIDE TRIHEXOSIDASE DEFICIENCY; GLA DEFICIENCY; HEREDITARY DYSTOPIC LIPIDOSIS; Angiokeratoma corporis diffusum. Identifiers: Orphanet 324, MedGen C0002986, MONDO:0010526, OMIM 301500, HP:0001071. Disease mechanism: Fabry disease is due to inactivating mutations in the X-linked GLA gene resulting in deficiency of the enzyme Alpha Galactosidase-A., loss of function.

Submission:

Genomenon, Inc
Classification: Uncertain significance for Fabry disease. Last evaluated: 2026-09-08. Review status: criteria provided, single submitter. Criteria: Genomenon Sequence Variant Interpretation Standards - Updated. Collection method: curation. Allele origin: germline. Affected: no.
Comment: GLA p.Phe18Tyr (c.53T>A) is a missense variant that changes the amino acid at codon 18 from Phenylalanine to Tyrosine. This variant has been reported in the published literature (PMID:28646478). It is absent or not present at a significant frequency in gnomAD. In conclusion, we classify GLA p.Phe18Tyr (c.53T>A) as a variant of uncertain significance.

Literature cited by the submitters: PubMed 28646478.